The following is an entry in ClinVar:

ClinVar aggregate classification (germline): Pathogenic. Review status: criteria provided, multiple submitters, no conflicts (2 of 4 stars). 4 submissions from 4 submitters: Pathogenic (4). Last evaluated 2026-01-20.

Conditions:
Propionic acidemia (PROP). Also called: GLYCINEMIA, KETOTIC; HYPERGLYCINEMIA WITH KETOACIDOSIS AND LEUKOPENIA; KETOTIC HYPERGLYCINEMIA. Identifiers: Orphanet 35, MedGen C0268579, MONDO:0011628, OMIM 606054, HP:0003571.

Allele frequency attached by ClinVar (database versions not stated): gnomAD exomes below 0.00001.

Submissions (4):

GeneDx
Classification: Pathogenic. Last evaluated: 2026-01-20. Review status: criteria provided, single submitter. Criteria: GeneDx Variant Classification Process June 2021. Collection method: clinical testing. Allele origin: germline.
Comment: Nonsense variant predicted to result in protein truncation or nonsense mediated decay in a gene for which loss of function is a known mechanism of disease; Not observed at significant frequency in large population cohorts (gnomAD); This variant is associated with the following publications: (PMID: 27776753)

Natera, Inc.
Classification: Pathogenic for Propionic acidemia. Last evaluated: 2025-01-16. Review status: criteria provided, single submitter. Criteria: Natera Variant Classification Schema (03/2026). Collection method: clinical testing. Allele origin: germline.
Comment: The c.1023dupT variant in PCCA is a frameshift variant predicted to shift the reading frame and introduce a stop codon. This variant is expected to result in nonsense mediated decay, truncation, or a dysfunctional protein product. This variant is rare in the general population with a frequency below the threshold expected for the associated phenotype(s). This variant has been observed in one or more individuals affected with the associated recessive disease, as either homozygous or compound heterozygous with a second variant (PMID: 27776753). This variant has been identified in one or more affected individual with a phenotype highly consistent with the associated gene (PMID: 27776753). Given the available evidence, this variant is classified as Pathogenic.

Labcorp Genetics (formerly Invitae), Labcorp
Classification: Pathogenic for Propionic acidemia. Last evaluated: 2022-10-06. Review status: criteria provided, single submitter. Criteria: Invitae Variant Classification Sherloc (09022015). Collection method: clinical testing. Allele origin: germline.
Comment: This sequence change creates a premature translational stop signal (p.Lys342*) in the PCCA gene. It is expected to result in an absent or disrupted protein product. Loss-of-function variants in PCCA are known to be pathogenic (PMID: 15464417). This variant is not present in population databases (gnomAD no frequency). This variant has not been reported in the literature in individuals affected with PCCA-related conditions. ClinVar contains an entry for this variant (Variation ID: 92760). For these reasons, this variant has been classified as Pathogenic.

Eurofins Ntd Llc (ga)
Classification: Pathogenic. Last evaluated: 2013-01-21. Review status: criteria provided, single submitter. Criteria: EGL Classification Definitions. Collection method: clinical testing. Allele origin: germline. Observed: 1 variant allele, 1 heterozygote.

Literature cited by the submitters: PubMed 27776753 (cited by Natera, Inc.); PubMed 15464417 (cited by Labcorp Genetics (formerly Invitae), Labcorp); PubMed 23757202 (cited by Eurofins Ntd Llc (ga)).

NM_000282.4(PCCA):c.1023dup (p.Lys342Ter)

Gene: PCCA (propionyl-CoA carboxylase subunit alpha; plus strand). Cytogenetic location: 13q32.3.
Variant type: Duplication.
Coding change: c.1023dup on transcript NM_000282.4 (MANE Select); coding-DNA position 1023, one base duplicated (T; older notation c.1023dupT).
Protein change: p.Lys342Ter; replaces lysine 342 with a stop codon.
Molecular consequence: nonsense. On other transcripts: non-coding transcript variant (5).
Genome position (GRCh38, 1-based): chr13:100,273,304, T duplicated. VCF-style (leftmost placement, unchanged base first): chr13-100273303-C-CT. GRCh37 (hg19) VCF-style: chr13-100925557-C-CT.
Other names: c.1023dup (NM_000282.3); c.945dup, p.Lys316Ter (NM_001127692.3, NM_001352607.2, NM_001352608.2); c.1023dup, p.Lys342Ter (NM_001178004.2, NM_001352605.2, NM_001352606.2 and 1 more transcripts); c.78dup, p.Lys27Ter (NM_001352610.2, NM_001352611.2, NM_001352612.2); short protein forms K316*, K27*, K342*.
Identifiers: ClinVar variation 92760 (VCV000092760.16), dbSNP rs398123297, ClinGen allele CA220600.